The following is an entry in ClinVar:

NM_000038.6(APC):c.5872A>T (p.Asn1958Tyr)

Gene: APC (APC regulator of Wnt signaling pathway; plus strand). Cytogenetic location: 5q22.2.
Variant type: single nucleotide variant.
Coding change: c.5872A>T on transcript NM_000038.6 (MANE Select); coding-DNA position 5872, A replaced by T.
Protein change: p.Asn1958Tyr; replaces asparagine 1958 with tyrosine.
Molecular consequence: missense variant.
Genome position (GRCh38, 1-based): chr5:112,841,466, A>T. VCF-style: chr5-112841466-A-T. GRCh37 (hg19) VCF-style: chr5-112177163-A-T.
Other names: c.5872A>T, p.Asn1958Tyr (NM_001127510.3, NM_001354895.2); c.5818A>T, p.Asn1940Tyr (NM_001127511.3); c.5926A>T, p.Asn1976Tyr (NM_001354896.2); c.5902A>T, p.Asn1968Tyr (NM_001354897.2); c.5797A>T, p.Asn1933Tyr (NM_001354898.2); c.5788A>T, p.Asn1930Tyr (NM_001354899.2); c.5749A>T, p.Asn1917Tyr (NM_001354900.2); c.5695A>T, p.Asn1899Tyr (NM_001354901.2); and 5 more; short protein forms N1940Y, N1958Y, N1675Y, N1917Y, N1968Y, N1857Y, N1867Y, N1899Y.
Identifiers: ClinVar variation 490322 (VCV000490322.8), dbSNP rs1554087047, ClinGen allele CA16034180.

ClinVar aggregate classification (germline): Uncertain significance. Review status: criteria provided, multiple submitters, no conflicts (2 of 4 stars). 3 submissions from 3 submitters: Uncertain significance (3). Last evaluated 2023-12-04.

Conditions:
Hereditary cancer-predisposing syndrome. Also called: Hereditary Cancer Syndrome; Neoplastic Syndromes, Hereditary; Tumor predisposition; Hereditary neoplastic syndrome. Identifiers: Orphanet 140162, MedGen C0027672, MeSH D009386, MONDO:0015356.

Submissions (3):

Color Diagnostics, LLC DBA Color Health
Classification: Uncertain significance for Hereditary cancer-predisposing syndrome. Last evaluated: 2023-12-04. Review status: criteria provided, single submitter. Criteria: ACMG Guidelines, 2015. Collection method: clinical testing. Allele origin: germline.
Comment: This missense variant replaces asparagine with tyrosine at codon 1958 of the APC protein. Computational prediction is inconclusive regarding the impact of this variant on protein structure and function (internally defined REVEL score threshold 0.5 < inconclusive < 0.7, PMID: 27666373). To our knowledge, functional studies have not been reported for this variant. This variant has not been reported in individuals affected with APC-related disorders in the literature. This variant has not been identified in the general population by the Genome Aggregation Database (gnomAD). The available evidence is insufficient to determine the role of this variant in disease conclusively. Therefore, this variant is classified as a Variant of Uncertain Significance.

Ambry Genetics
Classification: Uncertain significance for Hereditary cancer-predisposing syndrome. Last evaluated: 2023-09-20. Review status: criteria provided, single submitter. Criteria: Ambry Variant Classification Scheme 2023. Collection method: clinical testing. Allele origin: germline.
Comment: The p.N1958Y variant (also known as c.5872A>T), located in coding exon 15 of the APC gene, results from an A to T substitution at nucleotide position 5872. The asparagine at codon 1958 is replaced by tyrosine, an amino acid with dissimilar properties. This amino acid position is conserved. In addition, in silico predictors for this gene do not accurately predict pathogenicity. Since supporting evidence is limited at this time, the clinical significance of this alteration remains unclear.

GeneDx
Classification: Uncertain significance. Last evaluated: 2023-05-25. Review status: criteria provided, single submitter. Criteria: GeneDx Variant Classification Process June 2021. Collection method: clinical testing. Allele origin: germline. Affected: yes.
Comment: Not observed at significant frequency in large population cohorts (gnomAD); In silico analysis supports that this missense variant does not alter protein structure/function; Has not been previously published as pathogenic or benign to our knowledge; This variant is associated with the following publications: (PMID: 18199528)